The following is an entry in ClinVar:

ClinVar aggregate classification (germline): Uncertain significance (1 of 4 stars; one submission).

Conditions:
Baller-Gerold syndrome (BGS). Also called: CRANIOSYNOSTOSIS WITH RADIAL DEFECTS. Identifiers: Orphanet 1225, MedGen C0265308, MONDO:0009039, OMIM 218600.

Allele frequency attached by ClinVar (database versions not stated): gnomAD exomes below 0.00001 and 0.00001; TOPMed below 0.00001; gnomAD 0.00001; ExAC 0.00002.
gnomAD v4.1: 7 of 1,612,338 alleles (0.00043%); highest among the groups gnomAD compares: East Asian, 0.0022%; no homozygotes.

Submission:

Labcorp Genetics (formerly Invitae), Labcorp
Classification: Uncertain significance for Baller-Gerold syndrome. Last evaluated: 2023-08-06. Review status: criteria provided, single submitter. Criteria: Invitae Variant Classification Sherloc (09022015). Collection method: clinical testing. Allele origin: germline.
Comment: This variant has not been reported in the literature in individuals affected with RECQL4-related conditions. In summary, the available evidence is currently insufficient to determine the role of this variant in disease. Therefore, it has been classified as a Variant of Uncertain Significance. Advanced modeling of protein sequence and biophysical properties (such as structural, functional, and spatial information, amino acid conservation, physicochemical variation, residue mobility, and thermodynamic stability) has been performed at Invitae for this missense variant, however the output from this modeling did not meet the statistical confidence thresholds required to predict the impact of this variant on RECQL4 protein function. ClinVar contains an entry for this variant (Variation ID: 647794). This variant is present in population databases (rs778762414, gnomAD 0.005%). This sequence change replaces threonine, which is neutral and polar, with isoleucine, which is neutral and non-polar, at codon 1044 of the RECQL4 protein (p.Thr1044Ile).

NM_004260.4(RECQL4):c.3131C>T (p.Thr1044Ile)

Gene: RECQL4 (RecQ like helicase 4; minus strand). Cytogenetic location: 8q24.3.
Variant type: single nucleotide variant.
Coding change: c.3131C>T on transcript NM_004260.4 (MANE Select); coding-DNA position 3131, C replaced by T.
Protein change: p.Thr1044Ile; replaces threonine 1044 with isoleucine.
Molecular consequence: missense variant.
Genome position (GRCh38, 1-based): chr8:144,512,249, G>A on the plus strand (C>T on the coding strand, the complement: RECQL4 is on the minus strand). VCF-style: chr8-144512249-G-A. GRCh37 (hg19) VCF-style: chr8-145737632-G-A.
Other names: short protein forms T1044I.
Identifiers: ClinVar variation 647794 (VCV000647794.5), dbSNP rs778762414, ClinGen allele CA4947920.